The following is an entry in ClinVar:

ClinVar aggregate classification (germline): Uncertain significance (1 of 4 stars; one submission).

Submission:

Ambry Genetics
Classification: Uncertain significance. Last evaluated: 2024-08-04. Review status: criteria provided, single submitter. Criteria: Ambry Variant Classification Scheme 2023. Collection method: clinical testing. Allele origin: germline.
Comment: The p.S2154G variant (also known as c.6460A>G), located in coding exon 21 of the POLQ gene, results from an A to G substitution at nucleotide position 6460. The serine at codon 2154 is replaced by glycine, an amino acid with similar properties. This amino acid position is conserved. In addition, this alteration is predicted to be tolerated by in silico analysis. Since supporting evidence is limited at this time, the clinical significance of this alteration remains unclear.

NM_199420.4(POLQ):c.6460A>G (p.Ser2154Gly)

Gene: POLQ (DNA polymerase theta; minus strand). Cytogenetic location: 3q13.33.
Variant type: single nucleotide variant.
Coding change: c.6460A>G on transcript NM_199420.4 (MANE Select); coding-DNA position 6460, A replaced by G.
Protein change: p.Ser2154Gly; replaces serine 2154 with glycine.
Molecular consequence: missense variant.
Genome position (GRCh38, 1-based): chr3:121,473,433, T>C on the plus strand (A>G on the coding strand, the complement: POLQ is on the minus strand). VCF-style: chr3-121473433-T-C. GRCh37 (hg19) VCF-style: chr3-121192280-T-C.
Other names: short protein forms S2154G.
Identifiers: ClinVar variation 1753654 (VCV001753654.3), dbSNP rs2546774656, ClinGen allele CA354086039.